The following is an entry in ClinVar:

ClinVar aggregate classification (germline): Benign/Likely benign. Review status: criteria provided, multiple submitters, no conflicts (2 of 4 stars). 4 submissions from 4 submitters: Benign (1); Likely benign (3). Last evaluated 2026-01-22.

Allele frequency attached by ClinVar (database versions not stated): TOPMed 0.00107; ESP Exome Variant Server 0.00108; gnomAD 0.00150 and 0.00155; 1000 Genomes Project 30x 0.00156; 1000 Genomes Project 0.00160; gnomAD exomes 0.00166; ExAC 0.00168.
gnomAD v4.1: 3,332 of 1,614,070 alleles (0.21%); highest among the groups gnomAD compares: South Asian, 0.26%; 7 homozygotes.

Submissions (4):

Labcorp Genetics (formerly Invitae), Labcorp
Classification: Benign. Last evaluated: 2026-01-22. Review status: criteria provided, single submitter. Criteria: Invitae Variant Classification Sherloc (09022015). Collection method: clinical testing. Allele origin: germline.

CeGaT Center for Human Genetics Tuebingen
Classification: Likely benign. Last evaluated: 2025-07-01. Review status: criteria provided, single submitter. Criteria: CeGaT Center For Human Genetics Tuebingen Variant Classification Criteria Version 2. Collection method: clinical testing. Allele origin: germline. Affected: yes. Observed: 1 variant allele.
Comment: SEC24D: BP4, BP7

Blueprint Genetics
Classification: Likely benign. Last evaluated: 2024-11-07. Review status: criteria provided, single submitter. Criteria: ACMG Guidelines, 2015. Collection method: clinical testing. Allele origin: germline.

GeneDx
Classification: Likely benign. Last evaluated: 2021-04-12. Review status: criteria provided, single submitter. Criteria: GeneDx Variant Classification Process June 2021. Collection method: clinical testing. Allele origin: germline. Affected: yes.

NM_014822.4(SEC24D):c.429C>T (p.Pro143=)

Gene: SEC24D (SEC24 homolog D, COPII component; minus strand). Cytogenetic location: 4q26.
Variant type: single nucleotide variant.
Coding change: c.429C>T on transcript NM_014822.4 (MANE Select); coding-DNA position 429, C replaced by T.
Protein change: p.Pro143=; no amino-acid change (proline 143 retained).
Molecular consequence: synonymous variant.
Genome position (GRCh38, 1-based): chr4:118,815,695, G>A on the plus strand (C>T on the coding strand, the complement: SEC24D is on the minus strand). VCF-style: chr4-118815695-G-A. GRCh37 (hg19) VCF-style: chr4-119736850-G-A.
Other names: c.429C>T, p.Pro143= (NM_001318066.2).
Identifiers: ClinVar variation 721074 (VCV000721074.20), dbSNP rs150602522, ClinGen allele CA3057538.